The following is an entry in ClinVar:

NM_001195248.2(APTX):c.134-11A>G

Gene: APTX (aprataxin; minus strand). Cytogenetic location: 9p21.1.
Variant type: single nucleotide variant.
Coding change: c.134-11A>G on transcript NM_001195248.2 (MANE Select); 11 bases into the intron before coding-DNA position 134, A replaced by G.
Molecular consequence: intron variant.
Genome position (GRCh38, 1-based): chr9:32,988,140, T>C on the plus strand (A>G on the coding strand, the complement: APTX is on the minus strand). VCF-style: chr9-32988140-T-C. GRCh37 (hg19) VCF-style: chr9-32988138-T-C.
Other names: c.-126-16A>G (NM_001370673.1, NM_001370670.1, NM_001369002.1 and 4 more transcripts); c.134-11A>G (NM_001195249.2, NM_001368998.1, NM_001368996.1 and 7 more transcripts); c.134-409A>G (NM_001195254.2, NM_001369001.1, NM_001369000.1 and 1 more transcripts); c.-84-294A>G (NM_001369004.1).
Identifiers: ClinVar variation 4796650 (VCV004796650.1).

ClinVar aggregate classification (germline): Uncertain significance (1 of 4 stars; one submission).

gnomAD v4.1: 30 of 1,613,610 alleles (0.0019%); highest among the groups gnomAD compares: Middle Eastern, 0.016%; no homozygotes.

Submission:

GeneDx
Classification: Uncertain significance. Last evaluated: 2025-08-22. Review status: criteria provided, single submitter. Criteria: GeneDx Variant Classification Process June 2021. Collection method: clinical testing. Allele origin: germline. Affected: yes.
Comment: Has not been previously published as pathogenic or benign to our knowledge; In silico analysis is inconclusive as to whether the variant alters gene splicing. In the absence of RNA/functional studies, the actual effect of this sequence change is unknown.